The following is an entry in ClinVar:

ClinVar aggregate classification (germline): Uncertain significance (1 of 4 stars; one submission).

gnomAD v4.1: 6 of 1,614,208 alleles (0.00037%); highest among the groups gnomAD compares: Non-Finnish European, 0.00051%; no homozygotes.

Submission:

Labcorp Genetics (formerly Invitae), Labcorp
Classification: Uncertain significance. Last evaluated: 2025-03-31. Review status: criteria provided, single submitter. Criteria: Invitae Variant Classification Sherloc (09022015). Collection method: clinical testing. Allele origin: germline.
Comment: This sequence change replaces aspartic acid, which is acidic and polar, with glycine, which is neutral and non-polar, at codon 833 of the NUP133 protein (p.Asp833Gly). This variant is not present in population databases (gnomAD no frequency). This variant has not been reported in the literature in individuals affected with NUP133-related conditions. An algorithm developed to predict the effect of missense changes on protein structure and function (PolyPhen-2) suggests that this variant is likely to be tolerated. In summary, the available evidence is currently insufficient to determine the role of this variant in disease. Therefore, it has been classified as a Variant of Uncertain Significance.

NM_018230.3(NUP133):c.2498A>G (p.Asp833Gly)

Gene: NUP133 (nucleoporin 133; minus strand). Cytogenetic location: 1q42.13.
Variant type: single nucleotide variant.
Coding change: c.2498A>G on transcript NM_018230.3 (MANE Select); coding-DNA position 2498, A replaced by G.
Protein change: p.Asp833Gly; replaces aspartic acid 833 with glycine.
Molecular consequence: missense variant.
Genome position (GRCh38, 1-based): chr1:229,464,677, T>C on the plus strand (A>G on the coding strand, the complement: NUP133 is on the minus strand). VCF-style: chr1-229464677-T-C. GRCh37 (hg19) VCF-style: chr1-229600424-T-C.
Other names: short protein forms D833G.
Identifiers: ClinVar variation 4807706 (VCV004807706.1).
Genomic context (GRCh38, chr1:229,464,677, plus strand): 5'-AACTTACGAAGAGGAGATAAGAGATCTGATCTTTTCTGTAGGTATTCCATCTCCAGATTG[T>C]CATATCTTTCCCGATTACTGGATTTATCCACAGACTTAAGCTGAGAAACATAACCATCCA-3'
Protein context (NP_060700.2, residues 823-843): VDKSSNRERY[Asp833Gly]NLEMEYLQKR